The following is an entry in ClinVar:

NM_001127208.3(TET2):c.259A>G (p.Lys87Glu)

Genes: TET2 (tet methylcytosine dioxygenase 2; plus strand), TET2-AS1 (TET2 antisense RNA 1; minus strand). Cytogenetic location: 4q24.
Variant type: single nucleotide variant.
Coding change: c.259A>G on transcript NM_001127208.3 (MANE Select); coding-DNA position 259, A replaced by G.
Protein change: p.Lys87Glu; replaces lysine 87 with glutamic acid.
Molecular consequence: missense variant.
Genome position (GRCh38, 1-based): chr4:105,234,201, A>G. VCF-style: chr4-105234201-A-G. GRCh37 (hg19) VCF-style: chr4-106155358-A-G.
Other names: c.259A>G, p.Lys87Glu (NM_017628.4); short protein forms K87E.
Identifiers: ClinVar variation 3967539 (VCV003967539.1).

ClinVar aggregate classification (germline): Uncertain significance (1 of 4 stars; one submission).

gnomAD v4.1: 1 of 1,614,158 alleles (0.000062%); highest among the groups gnomAD compares: Non-Finnish European, 0.000085%; no homozygotes.

Submission:

Ambry Genetics
Classification: Uncertain significance. Last evaluated: 2025-04-06. Review status: criteria provided, single submitter. Criteria: Ambry Variant Classification Scheme 2023. Collection method: clinical testing. Allele origin: germline.
Comment: The p.K87E variant (also known as c.259A>G), located in coding exon 1 of the TET2 gene, results from an A to G substitution at nucleotide position 259. The lysine at codon 87 is replaced by glutamic acid, an amino acid with similar properties. This amino acid position is conserved. In addition, this alteration is predicted to be tolerated by in silico analysis. Based on the available evidence, the clinical significance of this variant remains unclear.